The following is an entry in ClinVar:

NM_001353921.2(ARHGEF9):c.432G>C (p.Arg144Ser)

Gene: ARHGEF9 (Cdc42 guanine nucleotide exchange factor 9; minus strand). Cytogenetic location: Xq11.1.
Variant type: single nucleotide variant.
Coding change: c.432G>C on transcript NM_001353921.2 (MANE Select); coding-DNA position 432, G replaced by C.
Protein change: p.Arg144Ser; replaces arginine 144 with serine.
Molecular consequence: missense variant. On other transcripts: 5 prime UTR variant (1).
Genome position (GRCh38, 1-based): chrX:63,697,275, C>G on the plus strand (G>C on the coding strand, the complement: ARHGEF9 is on the minus strand). VCF-style: chrX-63697275-C-G. GRCh37 (hg19) VCF-style: chrX-62917155-C-G.
Other names: c.450G>C, p.Arg150Ser (NM_001353923.1); c.231G>C, p.Arg77Ser (NM_001353924.2, NM_001353926.2, NM_001369039.1 and 1 more transcripts); c.348G>C, p.Arg116Ser (NM_001353927.2, NM_001369033.1, NM_001369034.1 and 8 more transcripts); c.411G>C, p.Arg137Ser (NM_001353928.2, NM_001369030.1, NM_001369031.1 and 2 more transcripts); c.105G>C, p.Arg35Ser (NM_001369042.1, NM_001173480.2); c.-4G>C (NM_001369045.1); c.252G>C, p.Arg84Ser (NM_001173479.2); c.432G>C, p.Arg144Ser (NM_001353922.2); short protein forms R116S, R137S, R144S, R150S, R35S, R77S, R84S.
Identifiers: ClinVar variation 2660739 (VCV002660739.24), dbSNP rs781937951, ClinGen allele CA413407177.

ClinVar aggregate classification (germline): Uncertain significance (1 of 4 stars; one submission).

Submission:

CeGaT Center for Human Genetics Tuebingen
Classification: Uncertain significance. Last evaluated: 2023-10-01. Review status: criteria provided, single submitter. Criteria: CeGaT Center For Human Genetics Tuebingen Variant Classification Criteria Version 2. Collection method: clinical testing. Allele origin: germline. Affected: yes. Observed: 1 variant allele.
Comment: ARHGEF9: PM2